The following is an entry in ClinVar:

ClinVar aggregate classification (germline): Uncertain significance (1 of 4 stars; one submission).

gnomAD v4.1: 3 of 1,613,096 alleles (0.00019%); highest among the groups gnomAD compares: Non-Finnish European, 0.00025%; no homozygotes.

Submission:

GeneDx
Classification: Uncertain significance. Last evaluated: 2025-02-19. Review status: criteria provided, single submitter. Criteria: GeneDx Variant Classification Process June 2021. Collection method: clinical testing. Allele origin: germline. Affected: yes.
Comment: Not observed at significant frequency in large population cohorts (gnomAD); In silico analysis supports that this missense variant has a deleterious effect on protein structure/function; Has not been previously published as pathogenic or benign to our knowledge

NM_020442.6(VARS2):c.2231A>G (p.His744Arg)

Genes: VARS2 (valyl-tRNA synthetase 2, mitochondrial; plus strand), LOC126859646 (MED14-independent group 3 enhancer GRCh37_chr6:30889690-30890889; plus strand). Cytogenetic location: 6p21.33.
Variant type: single nucleotide variant.
Coding change: c.2231A>G on transcript NM_020442.6 (MANE Select); coding-DNA position 2231, A replaced by G.
Protein change: p.His744Arg; replaces histidine 744 with arginine.
Molecular consequence: missense variant.
Genome position (GRCh38, 1-based): chr6:30,923,149, A>G. VCF-style: chr6-30923149-A-G. GRCh37 (hg19) VCF-style: chr6-30890926-A-G.
Other names: c.1811A>G, p.His604Arg (NM_001167733.3); c.2321A>G, p.His774Arg (NM_001167734.2); short protein forms H604R, H744R, H774R.
Identifiers: ClinVar variation 4076574 (VCV004076574.1).